The following is an entry in ClinVar:

ClinVar aggregate classification (germline): Uncertain significance. Review status: criteria provided, multiple submitters, no conflicts (2 of 4 stars). 2 submissions from 2 submitters: Uncertain significance (2). Last evaluated 2025-09-03.

Conditions:
Hereditary cancer-predisposing syndrome. Also called: Hereditary neoplastic syndrome; Neoplastic Syndromes, Hereditary; Hereditary Cancer Syndrome; Tumor predisposition. Identifiers: Orphanet 140162, MedGen C0027672, MeSH D009386, MONDO:0015356.
Pheochromocytoma. Also called: MAX-Related Hereditary Paraganglioma-Pheochromocytoma Syndrome. Identifiers: Orphanet 29072, MedGen C0031511, MONDO:0008233, OMIM 171300, HP:0002666.
Gastrointestinal stromal tumor. Also called: Gastrointestinal stromal tumor, somatic; Gastrointestinal stroma tumor. Identifiers: Orphanet 44890, MedGen C0238198, MeSH D046152, MONDO:0011719, OMIM 606764, HP:0100723.
Pheochromocytoma/paraganglioma syndrome 4. Also called: SDHB-Related Hereditary Paraganglioma-Pheochromocytoma Syndrome; PARAGANGLIOMA, FAMILIAL MALIGNANT; PARAGANGLIOMAS, HEREDITARY EXTRAADRENAL; PHEOCHROMOCYTOMA, FAMILIAL EXTRAADRENAL; Paragangliomas 4; CAROTID BODY TUMORS AND MULTIPLE EXTRAADRENAL PHEOCHROMOCYTOMAS. Identifiers: Orphanet 29072, MedGen C1861848, MONDO:0007273, OMIM 115310.

Allele frequency attached by ClinVar (database versions not stated): TOPMed below 0.00001.

Submissions (2):

Labcorp Genetics (formerly Invitae), Labcorp
Classification: Uncertain significance for Gastrointestinal stromal tumor; Pheochromocytoma/paraganglioma syndrome 4; Pheochromocytoma. Last evaluated: 2025-09-03. Review status: criteria provided, single submitter. Criteria: Invitae Variant Classification Sherloc (09022015). Collection method: clinical testing. Allele origin: germline.
Comment: This sequence change replaces asparagine, which is neutral and polar, with serine, which is neutral and polar, at codon 120 of the SDHB protein (p.Asn120Ser). This variant is not present in population databases (gnomAD no frequency). This missense change has been observed in individual(s) with Cowden or Cowden-like syndrome (PMID: 21979946). ClinVar contains an entry for this variant (Variation ID: 528734). Invitae Evidence Modeling of protein sequence and biophysical properties (such as structural, functional, and spatial information, amino acid conservation, physicochemical variation, residue mobility, and thermodynamic stability) indicates that this missense variant is not expected to disrupt SDHB protein function with a negative predictive value of 95%. In summary, the available evidence is currently insufficient to determine the role of this variant in disease. Therefore, it has been classified as a Variant of Uncertain Significance.

Ambry Genetics
Classification: Uncertain significance for Hereditary cancer-predisposing syndrome. Last evaluated: 2024-09-17. Review status: criteria provided, single submitter. Criteria: Ambry Variant Classification Scheme 2023. Collection method: clinical testing. Allele origin: germline.
Comment: The p.N120S variant (also known as c.359A>G), located in coding exon 4 of the SDHB gene, results from an A to G substitution at nucleotide position 359. The asparagine at codon 120 is replaced by serine, an amino acid with highly similar properties. This variant was detected in a cohort of 47 PTEN mutation-negative Cowden syndrome-like individuals (Ni Y et al. Hum Mol Genet, 2012 Jan;21:300-10). This amino acid position is not well conserved in available vertebrate species. In addition, the in silico prediction for this alteration is inconclusive. Based on the available evidence, the clinical significance of this variant remains unclear.

Literature cited by the submitters: PubMed 21979946 (cited by Labcorp Genetics (formerly Invitae), Labcorp and Ambry Genetics).

NM_003000.3(SDHB):c.359A>G (p.Asn120Ser)

Gene: SDHB (succinate dehydrogenase complex iron sulfur subunit B; minus strand). Cytogenetic location: 1p36.13.
Variant type: single nucleotide variant.
Coding change: c.359A>G on transcript NM_003000.3 (MANE Select); coding-DNA position 359, A replaced by G.
Protein change: p.Asn120Ser; replaces asparagine 120 with serine.
Molecular consequence: missense variant.
Genome position (GRCh38, 1-based): chr1:17,028,664, T>C on the plus strand (A>G on the coding strand, the complement: SDHB is on the minus strand). VCF-style: chr1-17028664-T-C. GRCh37 (hg19) VCF-style: chr1-17355159-T-C.
Other names: short protein forms N120S.
Identifiers: ClinVar variation 528734 (VCV000528734.7), dbSNP rs1553177746, ClinGen allele CA338274512.